The following is an entry in ClinVar:

NM_153704.6(TMEM67):c.734C>T (p.Ser245Phe)

Gene: TMEM67 (transmembrane protein 67; plus strand). Cytogenetic location: 8q22.1.
Variant type: single nucleotide variant.
Coding change: c.734C>T on transcript NM_153704.6 (MANE Select); coding-DNA position 734, C replaced by T.
Protein change: p.Ser245Phe; replaces serine 245 with phenylalanine.
Molecular consequence: missense variant. On other transcripts: non-coding transcript variant (1).
Genome position (GRCh38, 1-based): chr8:93,780,612, C>T. VCF-style: chr8-93780612-C-T. GRCh37 (hg19) VCF-style: chr8-94792840-C-T.
Other names: c.491C>T, p.Ser164Phe (NM_001142301.1); short protein forms S164F, S245F.
Identifiers: ClinVar variation 56788 (VCV000056788.2), dbSNP rs386834206, ClinGen allele CA144499.

ClinVar aggregate classification (germline): Likely pathogenic (0 of 4 stars; one submission).

Conditions:
Meckel syndrome, type 3 (MKS3). Also called: MECKEL-GRUBER SYNDROME, TYPE 3. Identifiers: Orphanet 564, MedGen C1846357, MONDO:0011821, OMIM 607361.

Submission:

Juha Muilu Group; Institute for Molecular Medicine Finland (FIMM)
Classification: Likely pathogenic for Meckel syndrome type 3. Review status: no assertion criteria provided. Collection method: not provided. Allele origin: unknown.
Comment: FinDis database variant: This variant was not found or characterized by our laboratory, data were collected from public sources: see reference
ClinVar note: Converted during submission from probable-pathogenic to Likely pathogenic.